The following is an entry in ClinVar:

NM_000043.6(FAS):c.652-2A>G

Gene: FAS (Fas cell surface death receptor; plus strand). Cytogenetic location: 10q23.31.
Variant type: single nucleotide variant.
Coding change: c.652-2A>G on transcript NM_000043.6 (MANE Select); the canonical splice acceptor site of the intron before coding-DNA position 652, A replaced by G.
Molecular consequence: splice acceptor variant. On other transcripts: intron variant (1).
Genome position (GRCh38, 1-based): chr10:89,013,341, A>G. VCF-style: chr10-89013341-A-G. GRCh37 (hg19) VCF-style: chr10-90773098-A-G.
Other names: c.652-778A>G (NM_152872.4); c.569-2A>G (NM_001320619.2); c.589-2A>G (NM_152871.4); c.697-2A>G (NM_001410956.1); c.652-2A>G (NM_000043.5).
Identifiers: ClinVar variation 4292753 (VCV004292753.2).

ClinVar aggregate classification (germline): Conflicting classifications of pathogenicity. Review status: criteria provided, conflicting classifications (1 of 4 stars). 2 submissions from 2 submitters: Pathogenic (1); Uncertain significance (1). Last evaluated 2025-06-13.

Conditions:
Autoimmune lymphoproliferative syndrome type 1. Also called: AUTOIMMUNE LYMPHOPROLIFERATIVE SYNDROME, TYPE I, AUTOSOMAL DOMINANT. Identifiers: Orphanet 3261, MedGen C2717884, MONDO:0011158, OMIM 601859.
FAS-related disorder. Also called: FAS-related condition.

Submissions (2):

PreventionGenetics, part of Exact Sciences
Classification: Pathogenic for FAS-related condition. Last evaluated: 2025-06-13. Review status: criteria provided, single submitter. Criteria: ACMG Guidelines, 2015. Collection method: clinical testing. Allele origin: germline.
Comment: The FAS c.652-2A>G variant is predicted to disrupt the AG splice acceptor site and interfere with normal splicing. This variant has been reported in an individual with Autoimmune lymphoproliferative syndrome (Patient 12, Table 1, Niss et al. 2025. PubMed ID: 25174872), in an individual with Primary T-cell Lymphomas of the Central Nervous System along with other plausible variants (case 11, Yim et al. 2022. PubMed ID: 34980830) and in two individuals with Primary Cutaneous Marginal Zone Lymphoma (Table 1, Maurus et al. 2018. PubMed ID: 29481902). Other variants at this nucleotide c.652-2A>C and c.652-2A>T have been reported in individuals with Autoimmune lymphoproliferative syndrome (Kaya. 2021. PubMed ID: 33375216; as P217fsX220 Lambotte. 2013. PubMed ID: 22983577). Other variants at this splice site were reported in patients with Autoimmune lymphoproliferative syndrome: c.651+1G>A (Clementi et al. 2004. PubMed ID: 15459303), c.651+1G>T (Similuk et al. 2022. PubMed ID: 35753512), c.651+2T>A (Vaishnaw et al. 1999. PubMed ID: 9927496), c.651+2T>C (Kasahara at al. 1998. PubMed ID: 9533447) and c.651+5G>T (Hsu et al. 2012. PubMed ID: 22237435). This variant c.652-2A>G has not been reported in a large population database (gnomAD), indicating this variant is rare. Variants that disrupt the consensus splice acceptor site in FAS are expected to be pathogenic. This variant is interpreted as pathogenic.

3billion
Classification: Uncertain significance for Autoimmune lymphoproliferative syndrome type 1. Last evaluated: 2024-08-22. Review status: criteria provided, single submitter. Criteria: ACMG Guidelines, 2015. Collection method: clinical testing. Allele origin: germline. Affected: yes.
Comment: The variant is not observed in the gnomAD v4.0.0 dataset. Predicted Consequence/Location: Canonical splice site: predicted to alter splicing and result in a loss or disruption of normal protein function. The predicted truncated protein may be shortened by less than 10%. In silico tools predict the variant to alter splicing and produce an abnormal transcript [SpliceAI: 0.93 (spliceogenicity >=0.2, non-spliceogenicity <0.1)]. Therefore, this variant is classified as VUS according to the recommendation of ACMG/AMP guideline.